The following is an entry in ClinVar:

ClinVar aggregate classification (germline): Pathogenic (1 of 4 stars; one submission).

Conditions:
Inborn genetic diseases. Identifiers: MedGen C0950123, MeSH D030342.

Submission:

Ambry Genetics
Classification: Pathogenic for Inborn genetic diseases. Last evaluated: 2026-02-10. Review status: criteria provided, single submitter. Criteria: Ambry Variant Classification Scheme 2023. Collection method: clinical testing. Allele origin: germline.
Comment: The c.3058C>T (p.R1020*) alteration, located in exon 18 (coding exon 18) of the CTNND2 gene, consists of a C to T substitution at nucleotide position 3058. This changes the amino acid from an arginine (R) to a stop codon at amino acid position 1020. This variant is expected to result in loss of function by premature protein truncation or nonsense-mediated mRNA decay. This variant was not reported in population-based cohorts in the Genome Aggregation Database (gnomAD). Based on the available evidence, this alteration is classified as pathogenic.

NM_001332.4(CTNND2):c.3058C>T (p.Arg1020Ter)

Gene: CTNND2 (catenin delta 2; minus strand). Cytogenetic location: 5p15.2.
Variant type: single nucleotide variant.
Coding change: c.3058C>T on transcript NM_001332.4 (MANE Select); coding-DNA position 3058, C replaced by T.
Protein change: p.Arg1020Ter; replaces arginine 1020 with a stop codon.
Molecular consequence: nonsense. On other transcripts: non-coding transcript variant (1).
Genome position (GRCh38, 1-based): chr5:11,018,000, G>A on the plus strand (C>T on the coding strand, the complement: CTNND2 is on the minus strand). VCF-style: chr5-11018000-G-A. GRCh37 (hg19) VCF-style: chr5-11018112-G-A.
Other names: c.2785C>T, p.Arg929Ter (NM_001288715.1); c.2047C>T, p.Arg683Ter (NM_001288716.1); c.1759C>T, p.Arg587Ter (NM_001288717.2); c.2122C>T, p.Arg708Ter (NM_001364128.2); short protein forms R1020*, R929*, R587*, R708*, R683*.
Identifiers: ClinVar variation 4839829 (VCV004839829.1).